The following is an entry in ClinVar:

ClinVar aggregate classification (germline): Likely pathogenic. Review status: criteria provided, multiple submitters, no conflicts (2 of 4 stars). 3 submissions from 3 submitters: Likely pathogenic (3). Last evaluated 2025-05-26.

Conditions:
Niemann-Pick disease, type C1. Also called: NEUROVISCERAL STORAGE DISEASE WITH VERTICAL SUPRANUCLEAR OPHTHALMOPLEGIA; NIEMANN-PICK DISEASE WITH CHOLESTEROL ESTERIFICATION BLOCK; NIEMANN-PICK DISEASE WITHOUT SPHINGOMYELINASE DEFICIENCY; NIEMANN-PICK DISEASE, CHRONIC NEURONOPATHIC FORM; NIEMANN-PICK DISEASE, VARIANT TYPE C1. Identifiers: Orphanet 646, MedGen C3179455, MONDO:0009757, OMIM 257220.
Niemann-Pick disease, type C (NPC). Identifiers: Orphanet 646, MedGen C0220756, MONDO:0018982.

Submissions (3):

Natera, Inc.
Classification: Likely pathogenic for Niemann-Pick disease type C1. Last evaluated: 2025-05-26. Review status: criteria provided, single submitter. Criteria: Natera Variant Classification Schema (03/2026). Collection method: clinical testing. Allele origin: germline.
Comment: The c.269C>G variant in NPC1 is a missense variant predicted to cause substitution of proline to arginine at amino acid 90. This variant is rare in the general population with a frequency below the threshold expected for the associated phenotype(s). This variant has been observed in one or more individuals affected with the associated recessive disease, as either homozygous or compound heterozygous with a second variant (PMID: 31030438, 38131230). Computational prediction algorithms indicate this variant is likely to affect gene or protein function. Given the available evidence, this variant is classified as Likely Pathogenic.

Women's Health and Genetics/Laboratory Corporation of America, LabCorp
Classification: Likely pathogenic for Niemann-Pick disease, type C. Last evaluated: 2024-04-25. Review status: criteria provided, single submitter. Criteria: LabCorp Variant Classification Summary - May 2015. Collection method: clinical testing. Allele origin: germline.
Comment: Variant summary: NPC1 c.269C>G (p.Pro90Arg) results in a non-conservative amino acid change located in the Niemann-Pick C1, N-terminal domain (IPR032190) of the encoded protein sequence. Five of five in-silico tools predict a damaging effect of the variant on protein function. The variant was absent in 251070 control chromosomes. c.269C>G has been reported in the literature in individuals affected with Niemann-Pick Disease Type C (examples: Liang_2024, Zhang_2019). These data indicate that the variant is likely to be associated with disease. To our knowledge, no experimental evidence demonstrating an impact on protein function has been reported. The following publications have been ascertained in the context of this evaluation (PMID: 38131230, 31030438). No submitters have cited clinical-significance assessments for this variant to ClinVar. Based on the evidence outlined above, the variant was classified as likely pathogenic.

Juno Genomics, Hangzhou Juno Genomics, Inc
Classification: Likely pathogenic for Niemann-Pick disease, type C1. Review status: criteria provided, single submitter. Criteria: ACMG Guidelines, 2015. Collection method: clinical testing. Allele origin: germline. Affected: yes.
Comment: Absent from controls (or at extremely low frequency if recessive) in Genome Aggregation Database.;Multiple lines of computational evidence support a deleterious effect on the gene or gene product.;For recessive disorders, detected in trans with a pathogenic variant.;Patient's phenotype or family history is highly specific for a disease with a single genetic etiology.

Literature cited by the submitters: PubMed 31030438 (cited by Natera, Inc. and Women's Health and Genetics/Laboratory Corporation of America, LabCorp); PubMed 38131230 (cited by Natera, Inc. and Women's Health and Genetics/Laboratory Corporation of America, LabCorp).

NM_000271.5(NPC1):c.269C>G (p.Pro90Arg)

Gene: NPC1 (NPC intracellular cholesterol transporter 1; minus strand). Cytogenetic location: 18q11.2.
Variant type: single nucleotide variant.
Coding change: c.269C>G on transcript NM_000271.5 (MANE Select); coding-DNA position 269, C replaced by G.
Protein change: p.Pro90Arg; replaces proline 90 with arginine.
Molecular consequence: missense variant.
Genome position (GRCh38, 1-based): chr18:23,572,092, G>C on the plus strand (C>G on the coding strand, the complement: NPC1 is on the minus strand). VCF-style: chr18-23572092-G-C. GRCh37 (hg19) VCF-style: chr18-21152056-G-C.
Other names: c.269C>G (NM_000271.4); short protein forms P90R.
Identifiers: ClinVar variation 3251705 (VCV003251705.4), dbSNP rs2511352190.